The following is an entry in ClinVar:

NM_005430.4(WNT1):c.365G>A (p.Arg122Gln)

Gene: WNT1 (Wnt family member 1; plus strand). Cytogenetic location: 12q13.12.
Variant type: single nucleotide variant.
Coding change: c.365G>A on transcript NM_005430.4 (MANE Select); coding-DNA position 365, G replaced by A.
Protein change: p.Arg122Gln; replaces arginine 122 with glutamine.
Molecular consequence: missense variant.
Genome position (GRCh38, 1-based): chr12:48,980,430, G>A. VCF-style: chr12-48980430-G-A. GRCh37 (hg19) VCF-style: chr12-49374213-G-A.
Other names: short protein forms R122Q.
Identifiers: ClinVar variation 3609793 (VCV003609793.2).

ClinVar aggregate classification (germline): Uncertain significance (1 of 4 stars; one submission).

gnomAD v4.1: 8 of 1,614,058 alleles (0.0005%); highest among the groups gnomAD compares: South Asian, 0.0011%; no homozygotes.

Submission:

Labcorp Genetics (formerly Invitae), Labcorp
Classification: Uncertain significance. Last evaluated: 2024-03-29. Review status: criteria provided, single submitter. Criteria: Invitae Variant Classification Sherloc (09022015). Collection method: clinical testing. Allele origin: germline.
Comment: This sequence change replaces arginine, which is basic and polar, with glutamine, which is neutral and polar, at codon 122 of the WNT1 protein (p.Arg122Gln). This variant is present in population databases (rs112258262, gnomAD 0.003%). This variant has not been reported in the literature in individuals affected with WNT1-related conditions. Advanced modeling of protein sequence and biophysical properties (such as structural, functional, and spatial information, amino acid conservation, physicochemical variation, residue mobility, and thermodynamic stability) has been performed at Invitae for this missense variant, however the output from this modeling did not meet the statistical confidence thresholds required to predict the impact of this variant on WNT1 protein function. In summary, the available evidence is currently insufficient to determine the role of this variant in disease. Therefore, it has been classified as a Variant of Uncertain Significance.